The following is an entry in ClinVar:

ClinVar aggregate classification (germline): Conflicting classifications of pathogenicity. Review status: criteria provided, conflicting classifications (1 of 4 stars). 2 submissions from 2 submitters: Uncertain significance (1); Likely benign (1). Last evaluated 2025-08-06.

Allele frequency attached by ClinVar (database versions not stated): ExAC 0.00003; gnomAD exomes 0.00004; ESP Exome Variant Server 0.00009; 1000 Genomes Project 30x 0.00031; 1000 Genomes Project 0.00040; TOPMed 0.00048; gnomAD 0.00049.
gnomAD v4.1: 127 of 1,613,042 alleles (0.0079%); highest among the groups gnomAD compares: Admixed American, 0.21%; 3 homozygotes.

Submissions (2):

Ambry Genetics
Classification: Uncertain significance. Last evaluated: 2025-08-06. Review status: criteria provided, single submitter. Criteria: Ambry Variant Classification Scheme 2023. Collection method: clinical testing. Allele origin: germline.

CeGaT Center for Human Genetics Tuebingen
Classification: Likely benign. Last evaluated: 2023-05-01. Review status: criteria provided, single submitter. Criteria: CeGaT Center For Human Genetics Tuebingen Variant Classification Criteria Version 2. Collection method: clinical testing. Allele origin: germline. Affected: yes. Observed: 1 variant allele.
Comment: TPR: BS2

NM_003292.3(TPR):c.811A>T (p.Met271Leu)

Gene: TPR (translocated promoter region, nuclear basket protein; minus strand). Cytogenetic location: 1q31.1.
Variant type: single nucleotide variant.
Coding change: c.811A>T on transcript NM_003292.3 (MANE Select); coding-DNA position 811, A replaced by T.
Protein change: p.Met271Leu; replaces methionine 271 with leucine.
Molecular consequence: missense variant.
Genome position (GRCh38, 1-based): chr1:186,361,848, T>A on the plus strand (A>T on the coding strand, the complement: TPR is on the minus strand). VCF-style: chr1-186361848-T-A. GRCh37 (hg19) VCF-style: chr1-186330980-T-A.
Other names: c.811A>T (NM_003292.2); short protein forms M271L.
Identifiers: ClinVar variation 2639669 (VCV002639669.25), dbSNP rs200918816, ClinGen allele CA1298468.